The following is an entry in ClinVar:

NM_175914.5(HNF4A):c.926G>T (p.Arg309Leu)

Gene: HNF4A (hepatocyte nuclear factor 4 alpha; plus strand). Cytogenetic location: 20q13.12.
Variant type: single nucleotide variant.
Coding change: c.926G>T on transcript NM_175914.5 (MANE Select); coding-DNA position 926, G replaced by T.
Protein change: p.Arg309Leu; replaces arginine 309 with leucine.
Molecular consequence: missense variant.
Genome position (GRCh38, 1-based): chr20:44,424,117, G>T. VCF-style: chr20-44424117-G-T. GRCh37 (hg19) VCF-style: chr20-43052757-G-T.
Other names: NM_175914.5(HNF4A):c.926G>T; p.Arg309Leu; c.992G>T, p.Arg331Leu (NM_000457.6, NM_178849.3, NM_178850.3); c.926G>T, p.Arg309Leu (NM_001030003.3, NM_001030004.3); c.971G>T, p.Arg324Leu (NM_001258355.2); c.917G>T, p.Arg306Leu (NM_001287182.2, NM_001287183.2, NM_001287184.2); short protein forms R306L, R331L, R309L, R324L.
Identifiers: ClinVar variation 972810 (VCV000972810.12), dbSNP rs369429452, ClinGen allele CA409108255.
Genomic context (GRCh38, chr20:44,424,117, plus strand): 5'-TGCGTTCCCAGGTGCAGGTGAGCTTGGAGGACTACATCAACGACCGCCAGTATGACTCGC[G>T]TGGCCGCTTTGGAGAGCTGCTGCTGCTGCTGCCCACCTTGCAGAGCATCACCTGGCAGAT-3'
Protein context (NP_787110.2, residues 299-319): DYINDRQYDS[Arg309Leu]GRFGELLLLL

ClinVar aggregate classification (germline): Likely pathogenic. Review status: reviewed by expert panel (3 of 4 stars). 4 submissions from 4 submitters: Likely pathogenic (1). 3 of the submissions do not count toward it. Last evaluated 2023-05-27.

Conditions:
Maturity-onset diabetes of the young type 1. Also called: MODY, type I; MILD JUVENILE DIABETES MELLITUS; MODY type 1; Diabetes mellitus MODY type 1; MODY HNF4A related; HNF4A-Related Maturity-Onset Diabetes of the Young Type 1. Identifiers: Orphanet 552, MedGen C1852093, MONDO:0007452, OMIM 125850. Disease mechanism: loss of function.
Monogenic diabetes. Identifiers: Orphanet 183625, MedGen C3888631, MONDO:0015967.

gnomAD v4.1: 7 of 1,613,518 alleles (0.00043%); highest among the groups gnomAD compares: Non-Finnish European, 0.00059%; no homozygotes.

Submissions (4):

ClinGen Monogenic Diabetes Variant Curation Expert Panel
Classification: Likely pathogenic for Monogenic diabetes. Last evaluated: 2023-05-27. Review status: reviewed by expert panel. Criteria: MDEP HNF4A Specificiations 1.0.0. Collection method: curation. Allele origin: germline. Inheritance: Autosomal dominant inheritance.
Comment: The c.926G>T variant in the hepatocyte nuclear factor-4 alpha gene, HNF4A, causes an amino acid change of arginine to leucine at codon 309 (p.(Arg309Leu)) of NM_175914.5. This variant is located within the ligand binding domain of HNF4A, which is defined as critical for the protein’s function by the ClinGen MDEP (PM1_Supporting; PMID: 18829458). This variant is absent from gnomAD v2.1.1 (PM2_Supporting). Another missense variant, c.925C>T p.Arg309Cys, has been classified as pathogenic by the ClinGen MDEP but has a greater Grantham distance (PM5_Supporting). This variant is predicted to be deleterious by computational evidence, with a REVEL score of 0.834, which is greater than the MDEP VCEP threshold of 0.70 (PP3). This variant was identified in 5 unrelated individuals with non- autoimmune and non-absolute/near-absolute insulin-deficient diabetes (PS4_Moderate; internal lab contributors). One of these individuals has a clinical history highly specific for HNF4A-MODY (MODY probability calculator result >50% and personal history of being large for gestational age) (PP4_Moderate; internal lab contributors). This variant segregated with diabetes, with 3 informative meioses in 2 families with MODY (PP1_Moderate; internal lab contributors). In summary, c.926G>T meets the criteria to be classified as likely pathogenic for monogenic diabetes. ACMG/AMP criteria applied, as specified by the ClinGen MDEP VCEP (specification version 1.0.0, approved 11/16/2022): PM2_supporting, PM1_supporting, PP3, PP4_moderate, PP1_moderate, PS4_Moderate, PM5_supporting.

Victorian Clinical Genetics Services, Murdoch Childrens Research Institute
Classification: Likely pathogenic for Maturity-onset diabetes of the young type 1. Last evaluated: 2026-02-17. Review status: criteria provided, single submitter. Criteria: ACMG Guidelines, 2015. Collection method: clinical testing. Allele origin: germline. Affected: no. Not counted in ClinVar's aggregate classification.
Comment: This variant is classified as Likely pathogenic. Evidence in support of pathogenic classification: Variant is present in gnomAD <0.001 for a dominant condition (v4: 7 heterozygote(s), 0 homozygote(s)). - This variant has strong previous evidence of pathogenicity in unrelated individuals. This variant has been classified as likely pathogenic by the ClinGen Monogenic Diabetes Variant Curation Expert Panel (ClinVar); Variant is located in the well-established functional ligand binding domain, defined as a critical region for protein function (ClinGen Monogenic Diabetes Variant Curation expert Panel); Missense variant predicted to be damaging by in silico tool(s) or highly conserved with a major amino acid change. Additional information: Variant is predicted to result in a missense amino acid change from Arg to Leu; This variant is heterozygous; This gene is associated with autosomal dominant disease. Fanconi renotubular syndrome 4, with maturity-onset diabetes of the young (MIM#616026) is associated with a single recurring missense variant (PMID: 20164212); Alternative amino acid change(s) at the same position are present in gnomAD (highest allele count: v4: 17 heterozygote(s), 0 homozygote(s)). - Loss of function and dominant negative are known mechanisms of disease in this gene. Loss of function through a reduction of DNA binding is associated with MODY, type I (MIM#125850) and diabetes mellitus, noninsulin-dependent (MIM#125853) (OMIM; PMID: 31875549). Dominant negative is associated with Fanconi renotubular syndrome 4, with maturity-onset diabetes of the young (MIM#616026) (PMID: 31875549); The condition associated with this gene has incomplete penetrance (PMID: 36257325).

Geisinger Clinic, Geisinger Health System
Classification: Likely pathogenic for Maturity-onset diabetes of the young type 1. Last evaluated: 2022-08-02. Review status: criteria provided, single submitter. Criteria: ACMG Guidelines, 2015. Collection method: research. Allele origin: germline. Inheritance: Autosomal dominant inheritance. Affected: yes. Observed: 3 variant alleles. Not counted in ClinVar's aggregate classification.
Comment: PM1_Supporting, PM2, PP3, PM5_Supporting, PP4_Moderate, PP1_Moderate, PS4_Moderate

Broad Center for Mendelian Genomics, Broad Institute of MIT and Harvard
Classification: Uncertain significance for Maturity-onset diabetes of the young type 1. Last evaluated: 2020-01-22. Review status: criteria provided, single submitter. Criteria: ACMG Guidelines, 2015. Collection method: curation. Allele origin: germline. Inheritance: Autosomal dominant inheritance. Not counted in ClinVar's aggregate classification.
Comment: The p.Arg331Leu variant in HNF4A has not been previously reported in individuals with MODY and this variant was absent from large population studies. Computational prediction tools and conservation analyses suggest that this variant may impact the protein, though this information is not predictive enough to determine pathogenicity. In summary, while there is some suspicion for a pathogenic role, the clinical significance of this variant is uncertain. ACMG/AMP Criteria applied: PM2, PP3 (Richards 2015).

Literature cited by the submitters: PubMed 20164212 (cited by Victorian Clinical Genetics Services, Murdoch Childrens Research Institute); PubMed 36257325 (cited by Victorian Clinical Genetics Services, Murdoch Childrens Research Institute and Geisinger Clinic, Geisinger Health System); PubMed 31875549 (cited by Victorian Clinical Genetics Services, Murdoch Childrens Research Institute).